The following is an entry in ClinVar:

ClinVar aggregate classification (germline): Uncertain significance (1 of 4 stars; one submission).

Conditions:
SEMA3D-related disorder. Also called: SEMA3D-related condition.

gnomAD v4.1: 5 of 1,586,744 alleles (0.00032%); highest among the groups gnomAD compares: East Asian, 0.009%; no homozygotes.

Submission:

PreventionGenetics, part of Exact Sciences
Classification: Uncertain significance for SEMA3D-related condition. Last evaluated: 2025-08-05. Review status: criteria provided, single submitter. Criteria: ACMG Guidelines, 2015. Collection method: clinical testing. Allele origin: germline.
Comment: The SEMA3D c.178C>A variant is predicted to result in the amino acid substitution p.Pro60Thr. To our knowledge, this variant has not been reported in the literature. This variant is reported in 0.00089% of alleles in individuals of European (Non-Finnish) descent in gnomAD. At this time, the clinical significance of this variant is uncertain due to the absence of conclusive functional and genetic evidence.

NM_001384900.1(SEMA3D):c.178C>A (p.Pro60Thr)

Gene: SEMA3D (semaphorin 3D; minus strand). Cytogenetic location: 7q21.11.
Variant type: single nucleotide variant.
Coding change: c.178C>A on transcript NM_001384900.1 (MANE Select); coding-DNA position 178, C replaced by A.
Protein change: p.Pro60Thr; replaces proline 60 with threonine.
Molecular consequence: missense variant.
Genome position (GRCh38, 1-based): chr7:85,097,939, G>T on the plus strand (C>A on the coding strand, the complement: SEMA3D is on the minus strand). VCF-style: chr7-85097939-G-T. GRCh37 (hg19) VCF-style: chr7-84727255-G-T.
Other names: c.178C>A, p.Pro60Thr (NM_001384901.1, NM_001384902.1, NM_001384903.1 and 1 more transcripts); short protein forms P60T.
Identifiers: ClinVar variation 4998608 (VCV004998608.1).